The following is an entry in ClinVar:

ClinVar aggregate classification (germline): Uncertain significance (1 of 4 stars; one submission).

gnomAD v4.1: 1 of 1,614,118 alleles (0.000062%); highest among the groups gnomAD compares: Middle Eastern, 0.016%; no homozygotes.

Submission:

GeneDx
Classification: Uncertain significance. Last evaluated: 2024-06-01. Review status: criteria provided, single submitter. Criteria: GeneDx Variant Classification Process June 2021. Collection method: clinical testing. Allele origin: germline. Affected: yes.
Comment: In silico analysis supports that this missense variant has a deleterious effect on protein structure/function; Has not been previously published as pathogenic or benign to our knowledge

NM_000141.5(FGFR2):c.716C>T (p.Ser239Phe)

Gene: FGFR2 (fibroblast growth factor receptor 2; minus strand). Cytogenetic location: 10q26.13.
Variant type: single nucleotide variant.
Coding change: c.716C>T on transcript NM_000141.5 (MANE Select); coding-DNA position 716, C replaced by T.
Protein change: p.Ser239Phe; replaces serine 239 with phenylalanine.
Molecular consequence: missense variant. On other transcripts: non-coding transcript variant (1).
Genome position (GRCh38, 1-based): chr10:121,538,624, G>A on the plus strand (C>T on the coding strand, the complement: FGFR2 is on the minus strand). VCF-style: chr10-121538624-G-A. GRCh37 (hg19) VCF-style: chr10-123298138-G-A.
Other names: c.716C>T, p.Ser239Phe (NM_001144913.1, NM_001144914.1, NM_001144917.2 and 2 more transcripts); c.449C>T, p.Ser150Phe (NM_001144915.2, NM_001144919.2, NM_023029.3); c.371C>T, p.Ser124Phe (NM_001144916.2, NM_001144918.2); short protein forms S124F, S150F, S239F.
Identifiers: ClinVar variation 3383904 (VCV003383904.1).
Genomic context (GRCh38, chr10:121,538,624, plus strand): 5'-GCCGCCACACGAGGAGAGGCAAACTCACCCACAACATCCAGGTGGTACGTGTGATTGATG[G>A]ACCCGTATTCATTCTCCACTACACAGGTATAATTTCCCTTGTCAGATGGGACCACACTTT-3'
Protein context (NP_000132.3, residues 229-249): YTCVVENEYG[Ser239Phe]INHTYHLDVV